The following is an entry in ClinVar:

ClinVar aggregate classification (germline): Conflicting classifications of pathogenicity. Review status: criteria provided, conflicting classifications (1 of 4 stars). 10 submissions from 10 submitters: Likely pathogenic (2); Uncertain significance (6). 2 of the submissions do not count toward it. Last evaluated 2025-12-01.

Conditions:
Cardiomyopathy (CMYO). Also called: Cardiomyopathies. Identifiers: Orphanet 167848, MedGen C0878544, MONDO:0004994, HP:0001638. Inheritance: Various modes of inheritance.
Cardiovascular phenotype. Identifiers: MedGen CN230736.
Dilated cardiomyopathy 1D. Identifiers: Orphanet 154, Orphanet 54260, MedGen C1832243, MONDO:0011095, OMIM 601494.
Hypertrophic cardiomyopathy 2. Also called: TNNT2-Related Familial Hypertrophic Cardiomyopathy. Identifiers: MedGen C1861864, MONDO:0007266, OMIM 115195.
Cardiomyopathy, familial restrictive, 3. Identifiers: Orphanet 75249, MedGen C2676271, MONDO:0012900, OMIM 612422.
TNNT2-related disorder. Also called: TNNT2-related condition.

Allele frequency attached by ClinVar (database versions not stated): gnomAD exomes below 0.00001 and 0.00001; ExAC 0.00001; ESP Exome Variant Server 0.00008.
gnomAD v4.1: 4 of 1,614,144 alleles (0.00025%); highest among the groups gnomAD compares: Non-Finnish European, 0.00034%; no homozygotes.

Submissions (10):

Labcorp Genetics (formerly Invitae), Labcorp
Classification: Uncertain significance for Cardiomyopathy, familial restrictive, 3; Hypertrophic cardiomyopathy 2; Dilated cardiomyopathy 1D. Last evaluated: 2025-12-01. Review status: criteria provided, single submitter. Criteria: Invitae Variant Classification Sherloc (09022015). Collection method: clinical testing. Allele origin: germline.
Comment: This sequence change replaces alanine, which is neutral and non-polar, with valine, which is neutral and non-polar, at codon 245 of the TNNT2 protein (p.Ala245Val). This variant is present in population databases (rs369181536, gnomAD 0.0009%). This missense change has been observed in individual(s) with dilated cardiomyopathy (PMID: 24503780, 37652022). ClinVar contains an entry for this variant (Variation ID: 177873). Invitae Evidence Modeling of protein sequence and biophysical properties (such as structural, functional, and spatial information, amino acid conservation, physicochemical variation, residue mobility, and thermodynamic stability) indicates that this missense variant is not expected to disrupt TNNT2 protein function with a negative predictive value of 80%. In summary, the available evidence is currently insufficient to determine the role of this variant in disease. Therefore, it has been classified as a Variant of Uncertain Significance.

Molecular Diagnostic Laboratory for Inherited Cardiovascular Disease, Montreal Heart Institute
Classification: Likely pathogenic for Cardiovascular phenotype. Last evaluated: 2024-12-30. Review status: criteria provided, single submitter. Criteria: ACMG Guidelines, 2015. Collection method: clinical testing. Allele origin: germline. Affected: yes.
Comment: PM2, PS4_supp, PP1, PP2, PP3

Blueprint Genetics
Classification: Likely pathogenic for TNNT2-related disorders. Last evaluated: 2024-10-18. Review status: criteria provided, single submitter. Criteria: ACMG Guidelines, 2015. Collection method: clinical testing. Allele origin: germline. Affected: yes. Observed: 5 variant alleles.

Ambry Genetics
Classification: Uncertain significance for Cardiovascular phenotype. Last evaluated: 2024-10-01. Review status: criteria provided, single submitter. Criteria: Ambry Variant Classification Scheme 2023. Collection method: clinical testing. Allele origin: germline.
Comment: The p.A245V variant (also known as c.734C>T), located in coding exon 13 of the TNNT2 gene, results from a C to T substitution at nucleotide position 734. The alanine at codon 245 is replaced by valine, an amino acid with similar properties. This variant has been reported in an individual in a dilated cardiomyopathy (DCM) cohort, but clinical details were limited (Pugh TJ et al. Genet. Med., 2014 Aug;16:601-8; Walsh R et al. Genet. Med., 2017 02;19:192-203). This amino acid position is well conserved in available vertebrate species. In addition, the in silico prediction for this alteration is inconclusive. Since supporting evidence is limited at this time, the clinical significance of this alteration remains unclear.

All of Us Research Program, National Institutes of Health
Classification: Uncertain significance for Cardiomyopathy. Last evaluated: 2023-12-01. Review status: criteria provided, single submitter. Criteria: ACMG Guidelines, 2015. Collection method: clinical testing. Allele origin: germline. Inheritance: Autosomal dominant inheritance. Observed: 1 variant allele, 1 heterozygote.
Comment: This study involves interpretation of variants in research participants for the purpose of population health screening. Participant phenotype was not available at the time of variant classification. Additional details can be found in publication PMID: 35346344, PMCID: PMC8962531

Color Diagnostics, LLC DBA Color Health
Classification: Uncertain significance for Cardiomyopathy. Last evaluated: 2020-03-06. Review status: criteria provided, single submitter. Criteria: ACMG Guidelines, 2015. Collection method: clinical testing. Allele origin: germline.
Comment: This missense variant replaces alanine with valine at codon 245 of the TNNT2 protein. Computational prediction is inconclusive regarding the impact of this variant on protein structure and function (internally defined REVEL score threshold 0.5 < inconclusive < 0.7, PMID: 27666373). Splice site prediction tools suggest that this variant may not impact RNA splicing. To our knowledge, functional studies have not been reported for this variant. This variant has been reported in an individual affected with dilated cardiomyopathy (PMID: 24503780). This variant has also been reported in an individual from a cohort of participants that were not pre-selected for a personal or family history of cardiovascular disorders (PMID: 22958901). This variant has been identified in 1/251480 chromosomes in the general population by the Genome Aggregation Database (gnomAD). The available evidence is insufficient to determine the role of this variant in disease conclusively. Therefore, this variant is classified as a Variant of Uncertain Significance.

GeneDx
Classification: Uncertain significance. Last evaluated: 2019-01-11. Review status: criteria provided, single submitter. Criteria: GeneDx Variant Classification (06012015). Collection method: clinical testing. Allele origin: germline. Affected: yes.
Comment: A variant of uncertain significance has been identified in the TNNT2 gene. The c.734 C>T (A245V) variant has been previously reported in association with DCM (Bick et al., 2012; Pugh et al., 2014; Walsh et al., 2017). Additionally, Chanvat et al. (2016) identified c.734 C>T in their cohort of patients with cardiomyopathy or arrhythmia, although further clinical details describing this patient's specific phenotype were not provided. Thus far, no segregation data are available for any of these published cases. Nevertheless, the c.734 C>T variant is not observed at a significant frequency in large population cohorts (Lek et al., 2016; 1000 Genomes Consortium et al., 2015; Exome Variant Server). The c.734 C>T substitution is located in exon 14, and may be functionally significant at mRNA or protein level. At the mRNA level, c.734 C>T occurs at a nucleotide that is conserved across species, and in silico splice prediction algorithms predict this variant may create a cryptic splice donor site upstream of the natural splice donor site in intron 14 and may impact gene splicing. However, in the absence of functional mRNA studies, the physiological consequence of this variant cannot be precisely determined. At the protein level, A245V is a conservative amino acid substitution, which is not likely to impact secondary protein structure as these residues share similar properties. Additionally, although this amino acid substitution occurs at a position that is conserved in mammals, in silico analysis is inconsistent in its predictions as to whether or not the variant is damaging to the protein structure/function.

Laboratory for Molecular Medicine, Mass General Brigham Personalized Medicine
Classification: Uncertain significance. Last evaluated: 2018-04-09. Review status: criteria provided, single submitter. Criteria: LMM Criteria. Collection method: clinical testing. Allele origin: germline. Observed: 1 variant allele.
Comment: proposed classification - variant undergoing re-assessment, contact laboratory

Clinical Genetics, Academic Medical Center
Classification: Uncertain significance. Review status: no assertion criteria provided. Collection method: clinical testing. Allele origin: germline. Affected: yes. Study: VKGL Data-share Consensus. Not counted in ClinVar's aggregate classification.

Joint Genome Diagnostic Labs from Nijmegen and Maastricht, Radboudumc and MUMC+
Classification: Uncertain significance. Review status: no assertion criteria provided. Collection method: clinical testing. Allele origin: germline. Affected: yes. Study: VKGL Data-share Consensus. Not counted in ClinVar's aggregate classification.

Literature cited by the submitters: PubMed 24503780 (cited by Labcorp Genetics (formerly Invitae), Labcorp and Ambry Genetics); PubMed 37652022 (cited by Labcorp Genetics (formerly Invitae), Labcorp); PubMed 22958901 (cited by Ambry Genetics); PubMed 27532257 (cited by Ambry Genetics).

NM_001276345.2(TNNT2):c.764C>T (p.Ala255Val)

Gene: TNNT2 (troponin T2, cardiac type; minus strand). Cytogenetic location: 1q32.1.
Variant type: single nucleotide variant.
Coding change: c.764C>T on transcript NM_001276345.2 (MANE Select); coding-DNA position 764, C replaced by T.
Protein change: p.Ala255Val; replaces alanine 255 with valine.
Molecular consequence: missense variant.
Genome position (GRCh38, 1-based): chr1:201,361,325, G>A on the plus strand (C>T on the coding strand, the complement: TNNT2 is on the minus strand). VCF-style: chr1-201361325-G-A. GRCh37 (hg19) VCF-style: chr1-201330453-G-A.
Other names: c.755C>T, p.Ala252Val (NM_000364.4); c.734C>T, p.Ala245Val (NM_001001430.3, NM_001276347.2); c.725C>T, p.Ala242Val (NM_001001431.3); c.716C>T, p.Ala239Val (NM_001001432.3); c.635C>T, p.Ala212Val (NM_001276346.2); short protein forms A245V, A252V, A212V, A242V, A255V, A239V.
Identifiers: ClinVar variation 177873 (VCV000177873.30), dbSNP rs369181536, ClinGen allele CA005030.